The following is an entry in ClinVar:

ClinVar aggregate classification (germline): Pathogenic. Review status: criteria provided, multiple submitters, no conflicts (2 of 4 stars). 4 submissions from 4 submitters: Pathogenic (4). Last evaluated 2026-01-09.

Conditions:
NPHS1-related disorder. Also called: NPHS1-related condition.
Finnish congenital nephrotic syndrome (NPHS1). Also called: NEPHROTIC SYNDROME, TYPE 1. Identifiers: Orphanet 839, MedGen C0403399, MONDO:0009732, OMIM 256300.

Allele frequency attached by ClinVar (database versions not stated): TOPMed 0.00002; ExAC 0.00003; ESP Exome Variant Server 0.00008; gnomAD 0.00001 and 0.00002; gnomAD exomes 0.00002.
gnomAD v4.1: 36 of 1,613,982 alleles (0.0022%); highest among the groups gnomAD compares: African/African-American, 0.0053%; no homozygotes.

Submissions (4):

Natera, Inc.
Classification: Pathogenic for Finnish congenital nephrotic syndrome. Last evaluated: 2026-01-09. Review status: criteria provided, single submitter. Criteria: Natera Variant Classification Schema (03/2026). Collection method: clinical testing. Allele origin: germline.
Comment: The c.2479C>T variant in NPHS1 is a nonsense variant predicted to introduce a stop codon at amino acid 827. This variant is expected to result in nonsense mediated decay, truncation, or a dysfunctional protein product. This variant is rare in the general population with a frequency below the threshold expected for the associated phenotype(s). This variant has been observed in one or more individuals affected with the associated recessive disease, as either homozygous or compound heterozygous with a second variant (PMID: 19321760, 18614772). Given the available evidence, this variant is classified as Pathogenic.

Blueprint Genetics
Classification: Pathogenic for NPHS1-related disorders. Last evaluated: 2024-02-02. Review status: criteria provided, single submitter. Criteria: ACMG Guidelines, 2015. Collection method: clinical testing. Allele origin: germline. Affected: yes. Observed: 4 variant alleles.

Labcorp Genetics (formerly Invitae), Labcorp
Classification: Pathogenic. Last evaluated: 2023-12-04. Review status: criteria provided, single submitter. Criteria: Invitae Variant Classification Sherloc (09022015). Collection method: clinical testing. Allele origin: germline.
Comment: This sequence change creates a premature translational stop signal (p.Arg827*) in the NPHS1 gene. It is expected to result in an absent or disrupted protein product. Loss-of-function variants in NPHS1 are known to be pathogenic (PMID: 11317351, 11854170, 12039988). This variant is present in population databases (rs140018064, gnomAD 0.004%). This premature translational stop signal has been observed in individual(s) with nephrotic syndrome (PMID: 15338398, 19321760). ClinVar contains an entry for this variant (Variation ID: 632927). For these reasons, this variant has been classified as Pathogenic.

Women's Health and Genetics/Laboratory Corporation of America, LabCorp
Classification: Pathogenic for Finnish congenital nephrotic syndrome. Last evaluated: 2018-08-09. Review status: criteria provided, single submitter. Criteria: LabCorp Variant Classification Summary - May 2015. Collection method: clinical testing. Allele origin: germline.
Comment: Variant summary: NPHS1 c.2479C>T (p.Arg827X) results in a premature termination codon, predicted to cause a truncation of the encoded protein or absence of the protein due to nonsense mediated decay, which are commonly known mechanisms for disease. Truncations downstream of this position have been classified as pathogenic by our laboratory (e.g. c.3250dupG (p.Val1084fsX12), c.3325C>T (p.Arg1109X), c.3478C>T (p.Arg1160X)). The variant allele was found at a frequency of 2e-05 in 246522 control chromosomes (gnomAD). c.2479C>T has been reported in the literature in individuals affected with Nephrotic Syndrome, Type 1 (Schultheiss 2004, Philippe 2008, Machuca 2010, Aya 2009). These data indicate that the variant may be associated with disease. At least one publication reports experimental evidence evaluating an impact on protein function, demonstrating a truncated protein product and defective trafficking to the cell surface (Miyai 2014). No clinical diagnostic laboratories have submitted clinical-significance assessments for this variant to ClinVar after 2014. Based on the evidence outlined above, the variant was classified as pathogenic.

Literature cited by the submitters: PubMed 19321760 (cited by 3 submitters); PubMed 18614772 (cited by Natera, Inc. and Women's Health and Genetics/Laboratory Corporation of America, LabCorp); PubMed 11317351 (cited by Labcorp Genetics (formerly Invitae), Labcorp); PubMed 11854170 (cited by Labcorp Genetics (formerly Invitae), Labcorp); PubMed 12039988 (cited by Labcorp Genetics (formerly Invitae), Labcorp); PubMed 15338398 (cited by Labcorp Genetics (formerly Invitae), Labcorp and Women's Health and Genetics/Laboratory Corporation of America, LabCorp); PubMed 20507940 (cited by Women's Health and Genetics/Laboratory Corporation of America, LabCorp); PubMed 17371932 (cited by Women's Health and Genetics/Laboratory Corporation of America, LabCorp); PubMed 24142548 (cited by Women's Health and Genetics/Laboratory Corporation of America, LabCorp).

NM_004646.4(NPHS1):c.2479C>T (p.Arg827Ter)

Gene: NPHS1 (NPHS1 adhesion molecule, nephrin; minus strand). Cytogenetic location: 19q13.12.
Variant type: single nucleotide variant.
Coding change: c.2479C>T on transcript NM_004646.4 (MANE Select); coding-DNA position 2479, C replaced by T.
Protein change: p.Arg827Ter; replaces arginine 827 with a stop codon.
Molecular consequence: nonsense.
Genome position (GRCh38, 1-based): chr19:35,842,406, G>A on the plus strand (C>T on the coding strand, the complement: NPHS1 is on the minus strand). VCF-style: chr19-35842406-G-A. GRCh37 (hg19) VCF-style: chr19-36333308-G-A.
Other names: short protein forms R827*.
Identifiers: ClinVar variation 632927 (VCV000632927.10), dbSNP rs140018064, ClinGen allele CA9390128.